The following is an entry in ClinVar:

NM_000051.4(ATM):c.9164G>A (p.Trp3055Ter)

Genes: ATM (ATM serine/threonine kinase; plus strand), C11orf65 (chromosome 11 open reading frame 65; minus strand). Cytogenetic location: 11q22.3.
Variant type: single nucleotide variant.
Coding change: c.9164G>A on transcript NM_000051.4 (MANE Select); coding-DNA position 9164, G replaced by A.
Protein change: p.Trp3055Ter; replaces tryptophan 3055 with a stop codon.
Molecular consequence: nonsense. On other transcripts: intron variant (2).
Genome position (GRCh38, 1-based): chr11:108,365,501, G>A. VCF-style: chr11-108365501-G-A. GRCh37 (hg19) VCF-style: chr11-108236228-G-A.
Other names: c.9164G>A, p.Trp3055Ter (NM_001351834.2); c.640+20419C>T (NM_001330368.2); c.694+20419C>T (NM_001351110.2); short protein forms W3055*.
Identifiers: ClinVar variation 3325757 (VCV003325757.3).

ClinVar aggregate classification (germline): Uncertain significance. Review status: criteria provided, multiple submitters, no conflicts (2 of 4 stars). 2 submissions from 2 submitters: Uncertain significance (2). Last evaluated 2024-07-13.

Conditions:
Ataxia-telangiectasia syndrome (AT). Also called: Ataxia-telangiectasia; Ataxia-telangiectasia, complementation group D; AT, COMPLEMENTATION GROUP C; Ataxia-telangiectasia, complementation group E; LOUIS-BAR SYNDROME; Cerebello-oculocutaneous telangiectasia. Identifiers: Orphanet 100, MedGen C0004135, MONDO:0008840, OMIM 208900.
Hereditary cancer-predisposing syndrome. Also called: Neoplastic Syndromes, Hereditary; Tumor predisposition; Hereditary Cancer Syndrome; Hereditary neoplastic syndrome. Identifiers: Orphanet 140162, MedGen C0027672, MeSH D009386, MONDO:0015356.

Submissions (2):

Labcorp Genetics (formerly Invitae), Labcorp
Classification: Uncertain significance for Ataxia-telangiectasia syndrome. Last evaluated: 2024-07-13. Review status: criteria provided, single submitter. Criteria: Invitae Variant Classification Sherloc (09022015). Collection method: clinical testing. Allele origin: germline.
Comment: This sequence change creates a premature translational stop signal (p.Trp3055*) in the ATM gene. While this is not anticipated to result in nonsense mediated decay, it is expected to disrupt the last 2 amino acid(s) of the ATM protein. This variant is not present in population databases (gnomAD no frequency). This variant has not been reported in the literature in individuals affected with ATM-related conditions. Experimental studies and prediction algorithms are not available or were not evaluated, and the functional significance of this variant is currently unknown. Algorithms developed to predict the effect of sequence changes on RNA splicing suggest that this variant may create or strengthen a splice site. In summary, the available evidence is currently insufficient to determine the role of this variant in disease. Therefore, it has been classified as a Variant of Uncertain Significance.

Ambry Genetics
Classification: Uncertain significance for Hereditary cancer-predisposing syndrome. Last evaluated: 2024-05-29. Review status: criteria provided, single submitter. Criteria: Ambry Variant Classification Scheme 2023. Collection method: clinical testing. Allele origin: germline.
Comment: The p.W3055* variant (also known as c.9164G>A), located in coding exon 62 of the ATM gene, results from a G to A substitution at nucleotide position 9164. This changes the amino acid from a tryptophan to a stop codon within coding exon 62. This alteration occurs at the 3' terminus of theATM gene, is not expected to trigger nonsense-mediated mRNAdecay, and only impacts the last two amino acids of the protein. The exact functional effect of this alteration is unknown. Based on the available evidence, the clinical significance of this variant remains unclear.